The following is an entry in ClinVar:

ClinVar aggregate classification (germline): Likely benign. Review status: criteria provided, multiple submitters, no conflicts (2 of 4 stars). 2 submissions from 2 submitters: Likely benign (2). Last evaluated 2025-03-19.

Conditions:
Cohen syndrome (COH1). Also called: Cutis verticis gyrata, retinitis pigmentosa, and sensorineural deafness; PEPPER SYNDROME. Identifiers: Orphanet 193, MedGen C0265223, MONDO:0008999, OMIM 216550.
VPS13B-related disorder. Also called: VPS13B-related condition.

Allele frequency attached by ClinVar (database versions not stated): TOPMed 0.00002.
gnomAD v4.1: 33 of 1,590,496 alleles (0.0021%); highest among the groups gnomAD compares: Non-Finnish European, 0.0028%; no homozygotes.

Submissions (2):

PreventionGenetics, part of Exact Sciences
Classification: Likely benign for VPS13B-related condition. Last evaluated: 2025-03-19. Review status: criteria provided, single submitter. Criteria: ACMG Guidelines, 2015. Collection method: clinical testing. Allele origin: germline.
Comment: This variant is classified as likely benign based on ACMG/AMP sequence variant interpretation guidelines (Richards et al. 2015 PMID: 25741868, with internal and published modifications).

Labcorp Genetics (formerly Invitae), Labcorp
Classification: Likely benign for Cohen syndrome. Last evaluated: 2024-02-27. Review status: criteria provided, single submitter. Criteria: Invitae Variant Classification Sherloc (09022015). Collection method: clinical testing. Allele origin: germline.

NM_152564.5(VPS13B):c.11211G>A (p.Leu3737=)

Gene: VPS13B (vacuolar protein sorting 13 homolog B; plus strand). Cytogenetic location: 8q22.2.
Variant type: single nucleotide variant.
Coding change: c.11211G>A on transcript NM_152564.5 (MANE Select); coding-DNA position 11211, G replaced by A.
Protein change: p.Leu3737=; no amino-acid change (leucine 3737 retained).
Molecular consequence: synonymous variant.
Genome position (GRCh38, 1-based): chr8:99,861,942, G>A. VCF-style: chr8-99861942-G-A. GRCh37 (hg19) VCF-style: chr8-100874170-G-A.
Other names: c.11211G>A (NM_152564.4); c.11286G>A, p.Leu3762= (NM_017890.5).
Identifiers: ClinVar variation 1079059 (VCV001079059.10), dbSNP rs1195872726, ClinGen allele CA462338622.